The following is an entry in ClinVar:

ClinVar aggregate classification (germline): Likely benign. Review status: criteria provided, multiple submitters, no conflicts (2 of 4 stars). 6 submissions from 6 submitters: Likely benign (5). 1 of the submissions does not count toward it. Last evaluated 2026-01-28.

Conditions:
Inborn genetic diseases. Identifiers: MedGen C0950123, MeSH D030342.
WT1-related disorder. Also called: WT1-related disorders. Identifiers: MedGen CN377814.
Frasier syndrome. Identifiers: Orphanet 347, MedGen C0950122, MeSH D052159, MONDO:0007635, OMIM 136680.
Wilms tumor 1 (WT1). Also called: Wilms tumor, somatic. Identifiers: Orphanet 654, MedGen CN033288, MONDO:0008679, OMIM 194070.
11p partial monosomy syndrome (WAGR). Also called: CHROMOSOME 11p13 DELETION SYNDROME; WAGR Spectrum Disorder; WAGR syndrome; WAGR Complex. Identifiers: Orphanet 893, MedGen C0206115, MONDO:0008681, OMIM 194072.
Drash syndrome (DDS). Also called: NEPHROPATHY, WILMS TUMOR, AND GENITAL ANOMALIES; WILMS TUMOR AND PSEUDO- OR TRUE HERMAPHRODITISM. Identifiers: Orphanet 220, MedGen C0950121, MONDO:0008682, OMIM 194080.

Allele frequency attached by ClinVar (database versions not stated): gnomAD 0.00002; gnomAD exomes 0.00003 and 0.00010; TOPMed 0.00003; ExAC 0.00012; 1000 Genomes Project 30x 0.00016; 1000 Genomes Project 0.00020.

Submissions (6):

Labcorp Genetics (formerly Invitae), Labcorp
Classification: Likely benign for Wilms tumor 1; Drash syndrome; 11p partial monosomy syndrome; Frasier syndrome. Last evaluated: 2026-01-28. Review status: criteria provided, single submitter. Criteria: Invitae Variant Classification Sherloc (09022015). Collection method: clinical testing. Allele origin: germline.

Ambry Genetics
Classification: Likely benign for Inborn genetic diseases. Last evaluated: 2024-08-21. Review status: criteria provided, single submitter. Criteria: Ambry Variant Classification Scheme 2023. Collection method: clinical testing. Allele origin: germline.

All of Us Research Program, National Institutes of Health
Classification: Likely benign for Wilms tumor 1. Last evaluated: 2023-11-28. Review status: criteria provided, single submitter. Criteria: ACMG Guidelines, 2015. Collection method: clinical testing. Allele origin: germline. Inheritance: Autosomal dominant inheritance. Observed: 5 variant alleles, 5 heterozygotes.
Comment: This study involves interpretation of variants in research participants for the purpose of population health screening. Participant phenotype was not available at the time of variant classification. Additional details can be found in publication PMID: 35346344, PMCID: PMC8962531

Color Diagnostics, LLC DBA Color Health
Classification: Likely benign for Wilms tumor 1. Last evaluated: 2022-11-14. Review status: criteria provided, single submitter. Criteria: ACMG Guidelines, 2015. Collection method: clinical testing. Allele origin: germline.

Blueprint Genetics
Classification: Likely benign. Last evaluated: 2022-06-30. Review status: criteria provided, single submitter. Criteria: ACMG Guidelines, 2015. Collection method: clinical testing. Allele origin: germline.

PreventionGenetics, part of Exact Sciences
Classification: Likely benign for WT1-related condition. Last evaluated: 2019-04-12. Review status: no assertion criteria provided. Collection method: clinical testing. Allele origin: germline. Not counted in ClinVar's aggregate classification.
Comment: This variant is classified as likely benign based on ACMG/AMP sequence variant interpretation guidelines (Richards et al. 2015 PMID: 25741868, with internal and published modifications).

NM_024426.6(WT1):c.1563G>A (p.Ala521=)

Gene: WT1 (WT1 transcription factor; minus strand). Cytogenetic location: 11p13.
Variant type: single nucleotide variant.
Coding change: c.1563G>A on transcript NM_024426.6 (MANE Select); coding-DNA position 1563, G replaced by A.
Protein change: p.Ala521=; no amino-acid change (alanine 521 retained).
Molecular consequence: synonymous variant. On other transcripts: non-coding transcript variant (2).
Genome position (GRCh38, 1-based): chr11:32,389,064, C>T on the plus strand (G>A on the coding strand, the complement: WT1 is on the minus strand). VCF-style: chr11-32389064-C-T. GRCh37 (hg19) VCF-style: chr11-32410610-C-T.
Other names: c.1554G>A, p.Ala518= (NM_024424.5); c.1497G>A, p.Ala499= (NM_024425.2); c.1503G>A, p.Ala501= (NM_000378.6); c.903G>A, p.Ala301= (NM_001198551.2); c.861G>A, p.Ala287= (NM_001198552.2); c.375G>A, p.Ala125= (NM_001367854.1); c.1548G>A, p.Ala516= (NM_001407044.1); c.1512G>A, p.Ala504= (NM_001407045.1); and 6 more.
Identifiers: ClinVar variation 414086 (VCV000414086.19), dbSNP rs202118284, ClinGen allele CA064686.